The following is an entry in ClinVar:

NM_013432.5(TONSL):c.2853-8C>G

Genes: TONSL (tonsoku like, DNA repair protein; minus strand), TONSL-AS1 (TONSL antisense RNA 1; plus strand). Cytogenetic location: 8q24.3.
Variant type: single nucleotide variant.
Coding change: c.2853-8C>G on transcript NM_013432.5 (MANE Select); 8 bases into the intron before coding-DNA position 2853, C replaced by G.
Molecular consequence: intron variant. On other transcripts: non-coding transcript variant (1).
Genome position (GRCh38, 1-based): chr8:144,435,178, G>C on the plus strand (C>G on the coding strand, the complement: TONSL is on the minus strand). VCF-style: chr8-144435178-G-C. GRCh37 (hg19) VCF-style: chr8-145660561-G-C.
Identifiers: ClinVar variation 1481090 (VCV001481090.6), dbSNP rs2130846540, ClinGen allele CA2573143022.

ClinVar aggregate classification (germline): Uncertain significance (1 of 4 stars; one submission).

Submission:

Labcorp Genetics (formerly Invitae), Labcorp
Classification: Uncertain significance. Last evaluated: 2023-12-18. Review status: criteria provided, single submitter. Criteria: Invitae Variant Classification Sherloc (09022015). Collection method: clinical testing. Allele origin: germline.
Comment: This sequence change falls in intron 18 of the TONSL gene. It does not directly change the encoded amino acid sequence of the TONSL protein. This variant is not present in population databases (gnomAD no frequency). This variant has not been reported in the literature in individuals affected with TONSL-related conditions. ClinVar contains an entry for this variant (Variation ID: 1481090). Algorithms developed to predict the effect of sequence changes on RNA splicing suggest that this variant may disrupt the consensus splice site. In summary, the available evidence is currently insufficient to determine the role of this variant in disease. Therefore, it has been classified as a Variant of Uncertain Significance.